The following is an entry in ClinVar:

ClinVar aggregate classification (germline): Uncertain significance. Review status: criteria provided, multiple submitters, no conflicts (2 of 4 stars). 2 submissions from 2 submitters: Uncertain significance (2). Last evaluated 2026-05-27.

Conditions:
Neutropenia, severe congenital, 1, autosomal dominant. Identifiers: MedGen C1859966, MONDO:0042490, OMIM 202700.
Cyclical neutropenia. Also called: Cyclic Neutropenia; Cyclic hematopoiesis. Identifiers: Orphanet 2686, MedGen C0221023, MONDO:0008090, OMIM 162800, HP:0040289. Disease mechanism: loss of function.
Inborn genetic diseases. Identifiers: MedGen C0950123, MeSH D030342.

Submissions (2):

Ambry Genetics
Classification: Uncertain significance for Inborn genetic diseases. Last evaluated: 2026-05-27. Review status: criteria provided, single submitter. Criteria: Ambry Variant Classification Scheme 2023. Collection method: clinical testing. Allele origin: germline.
Comment: The p.A195D variant (also known as c.584C>A), located in coding exon 4 of the ELANE gene, results from a C to A substitution at nucleotide position 584. The alanine at codon 195 is replaced by aspartic acid, an amino acid with dissimilar properties. This amino acid position is conserved. In addition, this alteration is predicted to be deleterious by in silico analysis. Based on the available evidence, the clinical significance of this variant remains unclear.

Labcorp Genetics (formerly Invitae), Labcorp
Classification: Uncertain significance for Neutropenia, severe congenital, 1, autosomal dominant; Cyclical neutropenia. Last evaluated: 2023-02-09. Review status: criteria provided, single submitter. Criteria: Invitae Variant Classification Sherloc (09022015). Collection method: clinical testing. Allele origin: germline.
Comment: This variant has not been reported in the literature in individuals affected with ELANE-related conditions. In summary, the available evidence is currently insufficient to determine the role of this variant in disease. Therefore, it has been classified as a Variant of Uncertain Significance. Advanced modeling of protein sequence and biophysical properties (such as structural, functional, and spatial information, amino acid conservation, physicochemical variation, residue mobility, and thermodynamic stability) performed at Invitae indicates that this missense variant is not expected to disrupt ELANE protein function. This variant is not present in population databases (gnomAD no frequency). This sequence change replaces alanine, which is neutral and non-polar, with aspartic acid, which is acidic and polar, at codon 195 of the ELANE protein (p.Ala195Asp).

NM_001972.4(ELANE):c.584C>A (p.Ala195Asp)

Gene: ELANE (elastase, neutrophil expressed; plus strand). Cytogenetic location: 19p13.3.
Variant type: single nucleotide variant.
Coding change: c.584C>A on transcript NM_001972.4 (MANE Select); coding-DNA position 584, C replaced by A.
Protein change: p.Ala195Asp; replaces alanine 195 with aspartic acid.
Molecular consequence: missense variant.
Genome position (GRCh38, 1-based): chr19:855,781, C>A. VCF-style: chr19-855781-C-A. GRCh37 (hg19) VCF-style: chr19-855781-C-A.
Other names: short protein forms A195D.
Identifiers: ClinVar variation 2927104 (VCV002927104.4), dbSNP rs2512168710, ClinGen allele CA402918762.